The following is an entry in ClinVar:

ClinVar aggregate classification (germline): Likely benign. Review status: criteria provided, multiple submitters, no conflicts (2 of 4 stars). 2 submissions from 2 submitters: Likely benign (2). Last evaluated 2023-12-13.

Conditions:
Familial thoracic aortic aneurysm and aortic dissection (TAAD). Also called: Thoracic aortic aneurysms and dissections. Identifiers: Orphanet 91387, MedGen C4707243, MONDO:0019625.

Submissions (2):

All of Us Research Program, National Institutes of Health
Classification: Likely benign for Familial thoracic aortic aneurysm and aortic dissection. Last evaluated: 2023-12-13. Review status: criteria provided, single submitter. Criteria: ACMG Guidelines, 2015. Collection method: clinical testing. Allele origin: germline. Inheritance: Autosomal dominant inheritance. Observed: 2 variant alleles, 2 heterozygotes.
Comment: This study involves interpretation of variants in research participants for the purpose of population health screening. Participant phenotype was not available at the time of variant classification. Additional details can be found in publication PMID: 35346344, PMCID: PMC8962531

Color Diagnostics, LLC DBA Color Health
Classification: Likely benign for Familial thoracic aortic aneurysm and aortic dissection. Last evaluated: 2019-04-01. Review status: criteria provided, single submitter. Criteria: ACMG Guidelines, 2015. Collection method: clinical testing. Allele origin: germline.

NM_001613.4(ACTA2):c.453T>C (p.Thr151=)

Gene: ACTA2 (actin alpha 2, smooth muscle; minus strand). Cytogenetic location: 10q23.31.
Variant type: single nucleotide variant.
Coding change: c.453T>C on transcript NM_001613.4 (MANE Select); coding-DNA position 453, T replaced by C.
Protein change: p.Thr151=; no amino-acid change (threonine 151 retained).
Molecular consequence: synonymous variant.
Genome position (GRCh38, 1-based): chr10:88,941,786, A>G on the plus strand (T>C on the coding strand, the complement: ACTA2 is on the minus strand). VCF-style: chr10-88941786-A-G. GRCh37 (hg19) VCF-style: chr10-90701543-A-G.
Other names: c.453T>C, p.Thr151= (NM_001141945.3, NM_001320855.2, NM_001406462.1 and 3 more transcripts); c.342T>C, p.Thr114= (NM_001406466.1); c.324T>C, p.Thr108= (NM_001406467.1, NM_001406468.1, NM_001406469.1).
Identifiers: ClinVar variation 925964 (VCV000925964.5), dbSNP rs1845858890, ClinGen allele CA470734792.